The following is an entry in ClinVar:

NM_016592.5(GNAS):c.616G>C (p.Glu206Gln)

Genes: GNAS (GNAS complex locus; plus strand), GNAS-AS1 (GNAS antisense RNA 1; minus strand). Cytogenetic location: 20q13.32.
Variant type: single nucleotide variant.
Coding change: c.616G>C on transcript NM_016592.5 (MANE Plus Clinical); coding-DNA position 616, G replaced by C.
Protein change: p.Glu206Gln; replaces glutamic acid 206 with glutamine.
Molecular consequence: missense variant. On other transcripts: 5 prime UTR variant (1).
Genome position (GRCh38, 1-based): chr20:58,840,722, G>C. VCF-style: chr20-58840722-G-C. GRCh37 (hg19) VCF-style: chr20-57415777-G-C.
Other names: c.-122G>C (NM_001410912.1); short protein forms E206Q.
Identifiers: ClinVar variation 2500392 (VCV002500392.1), dbSNP rs2516260489, ClinGen allele CA409453027.

ClinVar aggregate classification (germline): Uncertain significance (1 of 4 stars; one submission).

Submission:

GeneDx
Classification: Uncertain significance. Last evaluated: 2022-11-01. Review status: criteria provided, single submitter. Criteria: GeneDx Variant Classification Process June 2021. Collection method: clinical testing. Allele origin: germline. Affected: yes.
Comment: Not observed at significant frequency in large population cohorts (gnomAD); In silico analysis supports that this missense variant does not alter protein structure/function; Has not been previously published as pathogenic or benign to our knowledge; Reported using an alternate transcript of the gene